The following is an entry in ClinVar:

ClinVar aggregate classification (germline): Uncertain significance. Review status: criteria provided, multiple submitters, no conflicts (2 of 4 stars). 2 submissions from 2 submitters: Uncertain significance (2). Last evaluated 2024-01-15.

Conditions:
Focal segmental glomerulosclerosis 1 (FSGS1). Identifiers: Orphanet 656, MedGen C4551527, MONDO:0011303, OMIM 603278.

Allele frequency attached by ClinVar (database versions not stated): ExAC 0.00001; gnomAD exomes 0.00001; TOPMed 0.00001.

Submissions (2):

Fulgent Genetics
Classification: Uncertain significance for Focal segmental glomerulosclerosis 1. Last evaluated: 2024-01-15. Review status: criteria provided, single submitter. Criteria: ACMG Guidelines, 2015. Collection method: clinical testing. Allele origin: germline.

Labcorp Genetics (formerly Invitae), Labcorp
Classification: Uncertain significance. Last evaluated: 2021-08-23. Review status: criteria provided, single submitter. Criteria: Invitae Variant Classification Sherloc (09022015). Collection method: clinical testing. Allele origin: germline.
Comment: This sequence change replaces alanine with valine at codon 784 of the ACTN4 protein (p.Ala784Val). The alanine residue is highly conserved and there is a small physicochemical difference between alanine and valine. This variant is present in population databases (rs771421233, ExAC 0.002%). This missense change has been observed in individual(s) with IgA nephropathy (PMID: 23890478). Algorithms developed to predict the effect of missense changes on protein structure and function are either unavailable or do not agree on the potential impact of this missense change (SIFT: "Not Available"; PolyPhen-2: "Benign"; Align-GVGD: "Not Available"). In summary, the available evidence is currently insufficient to determine the role of this variant in disease. Therefore, it has been classified as a Variant of Uncertain Significance.

Literature cited by the submitters: PubMed 23890478 (cited by Labcorp Genetics (formerly Invitae), Labcorp).

NM_004924.6(ACTN4):c.2351C>T (p.Ala784Val)

Gene: ACTN4 (actinin alpha 4; plus strand). Cytogenetic location: 19q13.2.
Variant type: single nucleotide variant.
Coding change: c.2351C>T on transcript NM_004924.6 (MANE Select); coding-DNA position 2351, C replaced by T.
Protein change: p.Ala784Val; replaces alanine 784 with valine.
Molecular consequence: missense variant. On other transcripts: intron variant (1).
Genome position (GRCh38, 1-based): chr19:38,727,959, C>T. VCF-style: chr19-38727959-C-T. GRCh37 (hg19) VCF-style: chr19-39218599-C-T.
Other names: c.2338-357C>T (NM_001322033.2); short protein forms A784V.
Identifiers: ClinVar variation 1481238 (VCV001481238.7), dbSNP rs771421233, ClinGen allele CA9417981.